The following is an entry in ClinVar:

ClinVar aggregate classification (germline): Uncertain significance (1 of 4 stars; one submission).

Conditions:
Charcot-Marie-Tooth disease axonal type 2V. Also called: CHARCOT-MARIE-TOOTH NEUROPATHY, TYPE 2V; CHARCOT-MARIE-TOOTH DISEASE, AXONAL, AUTOSOMAL DOMINANT, TYPE 2V. Identifiers: Orphanet 447964, MedGen C5569050, MONDO:0014665, OMIM 616491.
Mucopolysaccharidosis, MPS-III-B (MPS3B). Also called: N-ACETYL-ALPHA-D-GLUCOSAMINIDASE DEFICIENCY; NAGLU DEFICIENCY; SANFILIPPO SYNDROME B; MPS III B; MUCOPOLYSACCHARIDOSIS, TYPE IIIB; Mucopolysaccharidosis type IIIB (Sanfilippo B). Identifiers: Orphanet 79270, MedGen C0086648, MONDO:0009656, OMIM 252920.

gnomAD v4.1: 1 of 1,614,140 alleles (0.000062%); highest among the groups gnomAD compares: Non-Finnish European, 0.000085%; no homozygotes.

Submission:

Labcorp Genetics (formerly Invitae), Labcorp
Classification: Uncertain significance for Charcot-Marie-Tooth disease axonal type 2V; Mucopolysaccharidosis, MPS-III-B. Last evaluated: 2021-12-17. Review status: criteria provided, single submitter. Criteria: Invitae Variant Classification Sherloc (09022015). Collection method: clinical testing. Allele origin: germline.
Comment: This sequence change replaces proline, which is neutral and non-polar, with histidine, which is basic and polar, at codon 216 of the NAGLU protein (p.Pro216His). This variant is not present in population databases (gnomAD no frequency). This variant has not been reported in the literature in individuals affected with NAGLU-related conditions. Advanced modeling of protein sequence and biophysical properties (such as structural, functional, and spatial information, amino acid conservation, physicochemical variation, residue mobility, and thermodynamic stability) performed at Invitae indicates that this missense variant is not expected to disrupt NAGLU protein function. In summary, the available evidence is currently insufficient to determine the role of this variant in disease. Therefore, it has been classified as a Variant of Uncertain Significance.

NM_000263.4(NAGLU):c.647C>A (p.Pro216His)

Gene: NAGLU (N-acetyl-alpha-glucosaminidase; plus strand). Cytogenetic location: 17q21.2.
Variant type: single nucleotide variant.
Coding change: c.647C>A on transcript NM_000263.4 (MANE Select); coding-DNA position 647, C replaced by A.
Protein change: p.Pro216His; replaces proline 216 with histidine.
Molecular consequence: missense variant.
Genome position (GRCh38, 1-based): chr17:42,538,454, C>A. VCF-style: chr17-42538454-C-A. GRCh37 (hg19) VCF-style: chr17-40690472-C-A.
Other names: short protein forms P216H.
Identifiers: ClinVar variation 2188945 (VCV002188945.1), dbSNP rs750276054, ClinGen allele CA399598681.